The following is an entry in ClinVar:

ClinVar aggregate classification (germline): Uncertain significance (1 of 4 stars; one submission).

Conditions:
Hereditary breast ovarian cancer syndrome. Also called: Hereditary breast and ovarian cancer syndrome; Hereditary breast and ovarian cancer syndrome (HBOC); Breast and ovarian cancer; Hereditary breast and ovarian cancer; BRCA1- and BRCA2-Associated Hereditary Breast and Ovarian Cancer; Hereditary breast and/or ovarian cancer syndrome. Identifiers: Orphanet 145, MedGen C0677776, MeSH D061325, MONDO:0003582. Disease mechanism: loss of function.

Submission:

Labcorp Genetics (formerly Invitae), Labcorp
Classification: Uncertain significance for Hereditary breast ovarian cancer syndrome. Last evaluated: 2022-09-01. Review status: criteria provided, single submitter. Criteria: Invitae Variant Classification Sherloc (09022015). Collection method: clinical testing. Allele origin: germline.
Comment: In summary, the available evidence is currently insufficient to determine the role of this variant in disease. Therefore, it has been classified as a Variant of Uncertain Significance. Advanced modeling of protein sequence and biophysical properties (such as structural, functional, and spatial information, amino acid conservation, physicochemical variation, residue mobility, and thermodynamic stability) performed at Invitae indicates that this missense variant is not expected to disrupt BRCA1 protein function. This variant has not been reported in the literature in individuals affected with BRCA1-related conditions. This variant is not present in population databases (gnomAD no frequency). This sequence change replaces glutamic acid, which is acidic and polar, with lysine, which is basic and polar, at codon 1540 of the BRCA1 protein (p.Glu1540Lys).

NM_007294.4(BRCA1):c.4618G>A (p.Glu1540Lys)

Gene: BRCA1 (BRCA1 DNA repair associated; minus strand). Cytogenetic location: 17q21.31.
Variant type: single nucleotide variant.
Coding change: c.4618G>A on transcript NM_007294.4 (MANE Select); coding-DNA position 4618, G replaced by A.
Protein change: p.Glu1540Lys; replaces glutamic acid 1540 with lysine.
Molecular consequence: missense variant. On other transcripts: non-coding transcript variant (1).
Genome position (GRCh38, 1-based): chr17:43,074,388, C>T on the plus strand (G>A on the coding strand, the complement: BRCA1 is on the minus strand). VCF-style: chr17-43074388-C-T. GRCh37 (hg19) VCF-style: chr17-41226405-C-T.
Other names: c.4684G>A, p.Glu1562Lys (NM_001407582.1, NM_001407581.1); c.4681G>A, p.Glu1561Lys (NM_001407583.1, NM_001407585.1, NM_001407587.1 and 1 more transcripts); c.4678G>A, p.Glu1560Lys (NM_001407590.1, NM_001407591.1); c.4618G>A, p.Glu1540Lys (NM_001407593.1, NM_001407594.1, NM_001407596.1 and 8 more transcripts); c.4615G>A, p.Glu1539Lys (NM_001407615.1, NM_001407616.1, NM_001407617.1 and 17 more transcripts); c.4405G>A, p.Glu1469Lys (NM_001407571.1, NM_001407894.1, NM_001407895.1 and 12 more transcripts); c.4612G>A, p.Glu1538Lys (NM_001407627.1, NM_001407628.1, NM_001407629.1 and 14 more transcripts); c.4609G>A, p.Glu1537Lys (NM_001407644.1, NM_001407645.1); and 68 more; short protein forms E1243K, E1450K, E1451K, E1492K, E1496K, E1498K, E1535K, E1536K.
Identifiers: ClinVar variation 2048892 (VCV002048892.4), dbSNP rs80357277, ClinGen allele CA10592276.